The following is an entry in ClinVar:

NM_198578.4(LRRK2):c.1461A>G (p.Ile487Met)

Gene: LRRK2 (leucine rich repeat kinase 2; plus strand). Cytogenetic location: 12q12.
Variant type: single nucleotide variant.
Coding change: c.1461A>G on transcript NM_198578.4 (MANE Select); coding-DNA position 1461, A replaced by G.
Protein change: p.Ile487Met; replaces isoleucine 487 with methionine.
Molecular consequence: missense variant.
Genome position (GRCh38, 1-based): chr12:40,259,522, A>G. VCF-style: chr12-40259522-A-G. GRCh37 (hg19) VCF-style: chr12-40653324-A-G.
Other names: short protein forms I487M.
Identifiers: ClinVar variation 3540483 (VCV003540483.1).
Genomic context (GRCh38, chr12:40,259,522, plus strand): 5'-CCAATTTTATATCCCCAGCAACACTTCCCTGGATATAATGGCAGCAGTGGTCCCCAAAAT[A>G]CTAACAGTTATGAAACGTCATGAGACATCATTACCAGTGCAGCTGGAGGCGCTTCGAGCT-3'
Protein context (NP_940980.4, residues 477-497): LDIMAAVVPK[Ile487Met]LTVMKRHETS

ClinVar aggregate classification (germline): Uncertain significance (1 of 4 stars; one submission).

Conditions:
Inborn genetic diseases. Identifiers: MedGen C0950123, MeSH D030342.

gnomAD v4.1: 2 of 1,613,392 alleles (0.00012%); highest among the groups gnomAD compares: South Asian, 0.0011%; no homozygotes.

Submission:

Ambry Genetics
Classification: Uncertain significance for Inborn genetic diseases. Last evaluated: 2024-07-18. Review status: criteria provided, single submitter. Criteria: Ambry Variant Classification Scheme 2023. Collection method: clinical testing. Allele origin: germline.
Comment: The p.I487M variant (also known as c.1461A>G), located in coding exon 13 of the LRRK2 gene, results from an A to G substitution at nucleotide position 1461. The isoleucine at codon 487 is replaced by methionine, an amino acid with highly similar properties. This amino acid position is conserved. In addition, this alteration is predicted to be tolerated by in silico analysis. Based on the available evidence, the clinical significance of this variant remains unclear.